The following is an entry in ClinVar:

NM_001365068.1(ASTN2):c.1028C>T (p.Ala343Val)

Gene: ASTN2 (astrotactin 2; minus strand). Cytogenetic location: 9q33.1.
Variant type: single nucleotide variant.
Coding change: c.1028C>T on transcript NM_001365068.1 (MANE Select); coding-DNA position 1028, C replaced by T.
Protein change: p.Ala343Val; replaces alanine 343 with valine.
Molecular consequence: missense variant. On other transcripts: intron variant (1).
Genome position (GRCh38, 1-based): chr9:117,141,466, G>A on the plus strand (C>T on the coding strand, the complement: ASTN2 is on the minus strand). VCF-style: chr9-117141466-G-A. GRCh37 (hg19) VCF-style: chr9-119903745-G-A.
Other names: c.1028C>T, p.Ala343Val (NM_001365069.1); c.1016-45315C>T (NM_014010.5); short protein forms A343V.
Identifiers: ClinVar variation 3046699 (VCV003046699.2), dbSNP rs117087850, ClinGen allele CA5211831.
Genomic context (GRCh38, chr9:117,141,466, plus strand): 5'-GTGTTAGCGCGGAAACTCTCCTTGAACTTCTGCATCAGGGACTCCACTGTCTCCTGAGTC[G>A]CCTCAGCTGCTGCTATAAGGTAGCAATGGGGCTGAGGTTAGGGCTTGAGCCCACCCTCAG-3'
Protein context (NP_001351997.1, residues 333-353): VDFEKKAAAE[Ala343Val]TQETVESLMQ

ClinVar aggregate classification (germline): Likely benign (0 of 4 stars; one submission).

Conditions:
ASTN2-related disorder. Also called: ASTN2-related condition.

Allele frequency attached by ClinVar (database versions not stated): 1000 Genomes Project 0.00080; ESP Exome Variant Server 0.00015; 1000 Genomes Project 30x 0.00062.
gnomAD v4.1: 249 of 1,367,000 alleles (0.018%); highest among the groups gnomAD compares: East Asian, 0.37%; no homozygotes.

Submission:

PreventionGenetics, part of Exact Sciences
Classification: Likely benign for ASTN2-related condition. Last evaluated: 2022-06-08. Review status: no assertion criteria provided. Collection method: clinical testing. Allele origin: germline.
Comment: This variant is classified as likely benign based on ACMG/AMP sequence variant interpretation guidelines (Richards et al. 2015 PMID: 25741868, with internal and published modifications).